The following is an entry in ClinVar:

ClinVar aggregate classification (germline): Likely benign. Review status: criteria provided, multiple submitters, no conflicts (2 of 4 stars). 4 submissions from 4 submitters: Likely benign (3). 1 of the submissions does not count toward it. Last evaluated 2025-09-03.

Conditions:
C12orf57-related disorder. Also called: C12orf57-related condition.
Temtamy syndrome (TEMTYS). Also called: MENTAL RETARDATION WITH OR WITHOUT CRANIOFACIAL DYSMORPHISM, OCULAR COLOBOMA, OR ABNORMAL CORPUS CALLOSUM. Identifiers: Orphanet 1777, MedGen C1857512, MONDO:0009033, OMIM 218340.

Allele frequency attached by ClinVar (database versions not stated): TOPMed 0.00006; ExAC 0.00007; 1000 Genomes Project 0.00020; 1000 Genomes Project 30x 0.00031.
gnomAD v4.1: 51 of 1,614,254 alleles (0.0032%); highest among the groups gnomAD compares: African/African-American, 0.013%; no homozygotes.

Submissions (4):

Labcorp Genetics (formerly Invitae), Labcorp
Classification: Likely benign for Temtamy syndrome. Last evaluated: 2025-09-03. Review status: criteria provided, single submitter. Criteria: Invitae Variant Classification Sherloc (09022015). Collection method: clinical testing. Allele origin: germline.

Blueprint Genetics
Classification: Likely benign. Last evaluated: 2024-10-01. Review status: criteria provided, single submitter. Criteria: ACMG Guidelines, 2015. Collection method: clinical testing. Allele origin: germline.

CeGaT Center for Human Genetics Tuebingen
Classification: Likely benign. Last evaluated: 2024-06-01. Review status: criteria provided, single submitter. Criteria: CeGaT Center For Human Genetics Tuebingen Variant Classification Criteria Version 2. Collection method: clinical testing. Allele origin: germline. Affected: yes. Observed: 1 variant allele.
Comment: C12orf57: BP4, BP7

PreventionGenetics, part of Exact Sciences
Classification: Likely benign for C12orf57-related condition. Last evaluated: 2021-08-24. Review status: no assertion criteria provided. Collection method: clinical testing. Allele origin: germline. Not counted in ClinVar's aggregate classification.
Comment: This variant is classified as likely benign based on ACMG/AMP sequence variant interpretation guidelines (Richards et al. 2015 PMID: 25741868, with internal and published modifications).

NM_138425.4(C12orf57):c.12C>G (p.Ala4=)

Gene: C12orf57 (chromosome 12 open reading frame 57; plus strand). Cytogenetic location: 12p13.31.
Variant type: single nucleotide variant.
Coding change: c.12C>G on transcript NM_138425.4 (MANE Select); coding-DNA position 12, C replaced by G.
Protein change: p.Ala4=; no amino-acid change (alanine 4 retained).
Molecular consequence: synonymous variant. On other transcripts: 5 prime UTR variant (1), non-coding transcript variant (1), intron variant (1).
Genome position (GRCh38, 1-based): chr12:6,944,133, C>G. VCF-style: chr12-6944133-C-G. GRCh37 (hg19) VCF-style: chr12-7053296-C-G.
Other names: c.12C>G, p.Ala4= (NM_001301834.1, NM_001301837.2); c.-190C>G (NM_001301838.2); c.14-343C>G (NM_001301836.2).
Identifiers: ClinVar variation 747919 (VCV000747919.29), dbSNP rs747313284, ClinGen allele CA6421168.